The following is an entry in ClinVar:

ClinVar aggregate classification (germline): Uncertain significance. Review status: criteria provided, multiple submitters, no conflicts (2 of 4 stars). 2 submissions from 2 submitters: Uncertain significance (2). Last evaluated 2025-06-24.

Conditions:
Wiskott-Aldrich syndrome (WAS). Also called: IMMUNODEFICIENCY 2; ALDRICH SYNDROME; WISKOTT-ALDRICH SYNDROME 1; Wiskott-aldrich syndrome, somatic. Identifiers: Orphanet 906, MedGen C0043194, MONDO:0010518, OMIM 301000.
X-linked severe congenital neutropenia (SCNX). Identifiers: Orphanet 86788, MedGen C1845987, MONDO:0010294, OMIM 300299.
Thrombocytopenia 1. Also called: X-linked thrombocytopenia with normal platelets; X-Linked Thrombocytopenia (XLT); THROMBOCYTOPENIA, X-LINKED, 1. Identifiers: Orphanet 268322, Orphanet 852, MedGen C1839163, MONDO:0010743, OMIM 313900.

Allele frequency attached by ClinVar (database versions not stated): TOPMed 0.00001.

Submissions (2):

Labcorp Genetics (formerly Invitae), Labcorp
Classification: Uncertain significance for Wiskott-Aldrich syndrome; X-linked severe congenital neutropenia; Thrombocytopenia 1. Last evaluated: 2025-06-24. Review status: criteria provided, single submitter. Criteria: Invitae Variant Classification Sherloc (09022015). Collection method: clinical testing. Allele origin: germline.
Comment: This sequence change replaces arginine, which is basic and polar, with cysteine, which is neutral and slightly polar, at codon 309 of the WAS protein (p.Arg309Cys). This variant is not present in population databases (gnomAD no frequency). This variant has not been reported in the literature in individuals affected with WAS-related conditions. ClinVar contains an entry for this variant (Variation ID: 998525). Invitae Evidence Modeling of protein sequence and biophysical properties (such as structural, functional, and spatial information, amino acid conservation, physicochemical variation, residue mobility, and thermodynamic stability) indicates that this missense variant is not expected to disrupt WAS protein function with a negative predictive value of 80%. In summary, the available evidence is currently insufficient to determine the role of this variant in disease. Therefore, it has been classified as a Variant of Uncertain Significance.

Mayo Clinic Laboratories, Mayo Clinic
Classification: Uncertain significance. Last evaluated: 2024-04-16. Review status: criteria provided, single submitter. Criteria: ACMG Guidelines, 2015. Collection method: clinical testing. Allele origin: germline. Observed: 1 variant allele.
Comment: PM1_supporting, PM2_moderate

NM_000377.3(WAS):c.925C>T (p.Arg309Cys)

Gene: WAS (WASP actin nucleation promoting factor; plus strand). Cytogenetic location: Xp11.23.
Variant type: single nucleotide variant.
Coding change: c.925C>T on transcript NM_000377.3 (MANE Select); coding-DNA position 925, C replaced by T.
Protein change: p.Arg309Cys; replaces arginine 309 with cysteine.
Molecular consequence: missense variant.
Genome position (GRCh38, 1-based): chrX:48,688,447, C>T. VCF-style: chrX-48688447-C-T. GRCh37 (hg19) VCF-style: chrX-48546836-C-T.
Other names: p.Arg309Cys; short protein forms R309C.
Identifiers: ClinVar variation 998525 (VCV000998525.8), dbSNP rs1215457658, ClinGen allele CA412872565.